The following is an entry in ClinVar:

NM_003070.5(SMARCA2):c.1692+3G>C

Gene: SMARCA2 (SWI/SNF related BAF chromatin remodeling complex subunit ATPase 2; plus strand). Cytogenetic location: 9p24.3.
Variant type: single nucleotide variant.
Coding change: c.1692+3G>C on transcript NM_003070.5 (MANE Select); 3 bases into the intron after coding-DNA position 1692, G replaced by C.
Molecular consequence: intron variant.
Genome position (GRCh38, 1-based): chr9:2,060,989, G>C. VCF-style: chr9-2060989-G-C. GRCh37 (hg19) VCF-style: chr9-2060989-G-C.
Other names: c.1692+3G>C (NM_139045.4, NM_001289397.2, NM_001289396.2).
Identifiers: ClinVar variation 3063684 (VCV003063684.2), dbSNP rs1458501886, ClinGen allele CA586168212.

ClinVar aggregate classification (germline): Uncertain significance. Review status: criteria provided, multiple submitters, no conflicts (2 of 4 stars). 2 submissions from 2 submitters: Uncertain significance (2). Last evaluated 2025-11-26.

Submissions (2):

Labcorp Genetics (formerly Invitae), Labcorp
Classification: Uncertain significance. Last evaluated: 2025-11-26. Review status: criteria provided, single submitter. Criteria: Invitae Variant Classification Sherloc (09022015). Collection method: clinical testing. Allele origin: germline.
Comment: This sequence change falls in intron 9 of the SMARCA2 gene. It does not directly change the encoded amino acid sequence of the SMARCA2 protein. It affects a nucleotide within the consensus splice site. This variant is present in population databases (no rsID available, gnomAD 0.0009%). This variant has not been reported in the literature in individuals affected with SMARCA2-related conditions. ClinVar contains an entry for this variant (Variation ID: 3063684). Variants that disrupt the consensus splice site are a relatively common cause of aberrant splicing (PMID: 17576681, 9536098). Algorithms developed to predict the effect of sequence changes on RNA splicing suggest that this variant is not likely to affect RNA splicing. In summary, the available evidence is currently insufficient to determine the role of this variant in disease. Therefore, it has been classified as a Variant of Uncertain Significance.

Women's Health and Genetics/Laboratory Corporation of America, LabCorp
Classification: Uncertain significance. Last evaluated: 2024-01-26. Review status: criteria provided, single submitter. Criteria: LabCorp Variant Classification Summary - May 2015. Collection method: clinical testing. Allele origin: germline.
Comment: Variant summary: SMARCA2 c.1692+3G>C alters a non-conserved nucleotide located close to a canonical splice site and therefore could affect mRNA splicing, leading to a significantly altered protein sequence. Several computational tools predict a significant impact on normal splicing: Three predict the variant weakens the 5' canonical donor site. One predict the variant no significant impact on splicing. However, these predictions have yet to be confirmed by functional studies. The variant allele was found at a frequency of 4e-06 in 249402 control chromosomes, predominantly at a frequency of 8.9e-06 within the Non-Finnish European subpopulation in the gnomAD database. The available data on variant occurrences in the general population are insufficient to allow any conclusion about variant significance. To our knowledge, no occurrence of c.1692+3G>C in individuals affected with Nicolaides-Baraitser Syndrome and no experimental evidence demonstrating its impact on protein function have been reported. No submitters have cited clinical-significance assessments for this variant to ClinVar. Based on the evidence outlined above, the variant was classified as uncertain significance.

Literature cited by the submitters: PubMed 17576681 (cited by Labcorp Genetics (formerly Invitae), Labcorp); PubMed 9536098 (cited by Labcorp Genetics (formerly Invitae), Labcorp).